The following is an entry in ClinVar:

ClinVar aggregate classification (germline): Pathogenic (1 of 4 stars; one submission).

Conditions:
Arrhythmogenic cardiomyopathy with wooly hair and keratoderma. Also called: PALMOPLANTAR KERATODERMA WITH LEFT VENTRICULAR CARDIOMYOPATHY AND WOOLLY HAIR; Carvajal syndrome; Dilated cardiomyopathy with woolly hair and keratoderma; Arrhythmogenic cardiomyopathy with woolly hair and keratoderma. Identifiers: Orphanet 65282, MedGen C1854063, MONDO:0011581, OMIM 605676.
Arrhythmogenic right ventricular dysplasia 8 (ARVD8). Also called: Arrhythmogenic Right Ventricular Dysplasia/Cardiomyopathy 8; ARRHYTHMOGENIC RIGHT VENTRICULAR DYSPLASIA, FAMILIAL, 8; ARRHYTHMOGENIC RIGHT VENTRICULAR CARDIOMYOPATHY 8. Identifiers: MedGen C1843896, MONDO:0011831, OMIM 607450.

Submission:

Labcorp Genetics (formerly Invitae), Labcorp
Classification: Pathogenic for Arrhythmogenic cardiomyopathy with wooly hair and keratoderma; Arrhythmogenic right ventricular dysplasia 8. Last evaluated: 2023-09-15. Review status: criteria provided, single submitter. Criteria: Invitae Variant Classification Sherloc (09022015). Collection method: clinical testing. Allele origin: germline.
Comment: This sequence change creates a premature translational stop signal (p.Leu1769Glyfs*2) in the DSP gene. It is expected to result in an absent or disrupted protein product. Loss-of-function variants in DSP are known to be pathogenic (PMID: 20716751, 24503780, 25227139). For these reasons, this variant has been classified as Pathogenic. Algorithms developed to predict the effect of sequence changes on RNA splicing suggest that this variant may disrupt the consensus splice site. This variant has not been reported in the literature in individuals affected with DSP-related conditions. This variant is not present in population databases (gnomAD no frequency).

Literature cited by the submitters: PubMed 20716751; PubMed 24503780; PubMed 25227139.

NM_004415.4(DSP):c.5303_5304dup (p.Leu1769fs)

Gene: DSP (desmoplakin; plus strand). Cytogenetic location: 6p24.3.
Variant type: Duplication.
Coding change: c.5303_5304dup on transcript NM_004415.4 (MANE Select); coding-DNA positions 5303 to 5304, 2 bases duplicated (GG; older notation c.5303_5304dupGG).
Protein change: p.Leu1769fs; shifts the reading frame from leucine 1769.
Molecular consequence: frameshift variant. On other transcripts: intron variant (2).
Genome position (GRCh38, 1-based): chr6:7,581,493-7,581,494, GG duplicated; duplicating any 2 consecutive bases within chr6:7,581,491-7,581,494 gives the same sequence; the c. name uses the placement nearest the transcript's 3' end. VCF-style (leftmost placement, unchanged base first): chr6-7581490-A-AGG. GRCh37 (hg19) VCF-style: chr6-7581723-A-AGG.
Other names: c.4051-1149_4051-1148dup (NM_001319034.2); c.3583-1149_3583-1148dup (NM_001008844.3); short protein forms L1769fs.
Identifiers: ClinVar variation 2951961 (VCV002951961.3), dbSNP rs2533932465, ClinGen allele CA2740090889.